The following is an entry in ClinVar:

NM_000051.4(ATM):c.8439del (p.Phe2813fs)

Genes: ATM (ATM serine/threonine kinase; plus strand), C11orf65 (chromosome 11 open reading frame 65; minus strand). Cytogenetic location: 11q22.3.
Variant type: Deletion.
Coding change: c.8439del on transcript NM_000051.4 (MANE Select); coding-DNA position 8439, one base deleted (T; older notation c.8439delT).
Protein change: p.Phe2813fs; shifts the reading frame from phenylalanine 2813.
Molecular consequence: frameshift variant. On other transcripts: intron variant (2).
Genome position (GRCh38, 1-based): chr11:108,345,763, T deleted; the last of 4 consecutive T bases (chr11:108,345,760-108,345,763); deleting any one gives the same sequence. VCF-style (leftmost placement, unchanged base first): chr11-108345759-CT-C. GRCh37 (hg19) VCF-style: chr11-108216486-CT-C.
Other names: c.8439delT, p.Phe2813Leufs (NM_000051.3); c.8439del, p.Phe2813fs (NM_001351834.2); c.641-36689del (NM_001330368.2); c.695-10468del (NM_001351110.2); short protein forms F2813fs.
Identifiers: ClinVar variation 834837 (VCV000834837.11), dbSNP rs991405942, ClinGen allele CA916080490.

ClinVar aggregate classification (germline): Pathogenic (1 of 4 stars; one submission).

Conditions:
Ataxia-telangiectasia syndrome (AT). Also called: ATAXIA-TELANGIECTASIA, COMPLEMENTATION GROUP A; ATAXIA-TELANGIECTASIA, FRESNO VARIANT; Ataxia-telangiectasia; Ataxia-telangiectasia, complementation group D; AT, COMPLEMENTATION GROUP C; Ataxia-telangiectasia, complementation group E. Identifiers: Orphanet 100, MedGen C0004135, MONDO:0008840, OMIM 208900.

Submission:

Labcorp Genetics (formerly Invitae), Labcorp
Classification: Pathogenic for Ataxia-telangiectasia syndrome. Last evaluated: 2025-07-17. Review status: criteria provided, single submitter. Criteria: Invitae Variant Classification Sherloc (09022015). Collection method: clinical testing. Allele origin: germline.
Comment: This sequence change creates a premature translational stop signal (p.Phe2813Leufs*44) in the ATM gene. It is expected to result in an absent or disrupted protein product. Loss-of-function variants in ATM are known to be pathogenic (PMID: 23807571, 25614872). This variant is not present in population databases (gnomAD no frequency). This premature translational stop signal has been observed in individual(s) with malignant pleural mesothelioma (PMID: 28687356). This variant is also known as c.8436delT (p.Ser2812fs). ClinVar contains an entry for this variant (Variation ID: 834837). For these reasons, this variant has been classified as Pathogenic.

Literature cited by the submitters: PubMed 23807571; PubMed 25614872; PubMed 28687356.